The following is an entry in ClinVar:

ClinVar aggregate classification (germline): Uncertain significance (1 of 4 stars; one submission).

Conditions:
Breast-ovarian cancer, familial, susceptibility to, 4. Identifiers: Orphanet 145, MedGen C3280345, MONDO:0013669, OMIM 614291.

Submission:

Labcorp Genetics (formerly Invitae), Labcorp
Classification: Uncertain significance for Breast-ovarian cancer, familial, susceptibility to, 4. Last evaluated: 2024-05-06. Review status: criteria provided, single submitter. Criteria: Invitae Variant Classification Sherloc (09022015). Collection method: clinical testing. Allele origin: germline.
Comment: This sequence change falls in intron 7 of the RAD51D gene. It does not directly change the encoded amino acid sequence of the RAD51D protein. It affects a nucleotide within the consensus splice site. This variant is not present in population databases (gnomAD no frequency). This variant has not been reported in the literature in individuals affected with RAD51D-related conditions. Variants that disrupt the consensus splice site are a relatively common cause of aberrant splicing (PMID: 17576681, 9536098). Algorithms developed to predict the effect of sequence changes on RNA splicing suggest that this variant is not likely to affect RNA splicing. In summary, the available evidence is currently insufficient to determine the role of this variant in disease. Therefore, it has been classified as a Variant of Uncertain Significance.

Literature cited by the submitters: PubMed 17576681; PubMed 9536098.

NM_002878.4(RAD51D):c.667+4_667+5dup

Genes: RAD51D (RAD51 paralog D; minus strand), RAD51L3-RFFL (RAD51L3-RFFL readthrough; minus strand). Cytogenetic location: 17q12.
Variant type: Duplication.
Coding change: c.667+4_667+5dup on transcript NM_002878.4 (MANE Select); bases 4 to 5 of the intron after coding-DNA position 667, 2 bases duplicated (AG; older notation c.667+4_667+5dupAG).
Molecular consequence: intron variant.
Genome position (GRCh38, 1-based): chr17:35,103,449-35,103,450, CT duplicated on the plus strand (AG on the coding strand, the reverse complement: RAD51D is on the minus strand); duplicating any 2 consecutive bases within chr17:35,103,449-35,103,451 gives the same sequence; the c. name uses the placement nearest the transcript's 3' end. VCF-style (leftmost placement, unchanged base first): chr17-35103448-A-ACT. GRCh37 (hg19) VCF-style: chr17-33430467-A-ACT.
Other names: c.331+4_331+5dup (NM_133629.3); c.727+4_727+5dup (NM_001142571.2).
Identifiers: ClinVar variation 3652285 (VCV003652285.2).
Genomic context (GRCh38, chr17:35,103,448, plus strand): 5'-ACCAGACTCCAGAGCTGGGAGGCGAGGTCACATTCCACTGGCCCCAGGCTCTGCCACATC[A>ACT]CTCACCTTCCCTCTGCTGACCTCCCAGAAGTGGGGAAACCACCGCAGTGACCGAGTCCAC-3'